The following is an entry in ClinVar:

NM_018082.6(POLR3B):c.1514A>T (p.Asp505Val)

Gene: POLR3B (RNA polymerase III subunit B; plus strand). Cytogenetic location: 12q23.3.
Variant type: single nucleotide variant.
Coding change: c.1514A>T on transcript NM_018082.6 (MANE Select); coding-DNA position 1514, A replaced by T.
Protein change: p.Asp505Val; replaces aspartic acid 505 with valine.
Molecular consequence: missense variant.
Genome position (GRCh38, 1-based): chr12:106,432,367, A>T. VCF-style: chr12-106432367-A-T. GRCh37 (hg19) VCF-style: chr12-106826145-A-T.
Other names: c.1340A>T, p.Asp447Val (NM_001160708.2); short protein forms D447V, D505V.
Identifiers: ClinVar variation 3901357 (VCV003901357.1).

ClinVar aggregate classification (germline): Uncertain significance (1 of 4 stars; one submission).

Submission:

GeneDx
Classification: Uncertain significance. Last evaluated: 2024-12-04. Review status: criteria provided, single submitter. Criteria: GeneDx Variant Classification Process June 2021. Collection method: clinical testing. Allele origin: germline. Affected: yes.
Comment: In silico analysis supports that this missense variant has a deleterious effect on protein structure/function; Not observed at significant frequency in large population cohorts (gnomAD); Has not been previously published as pathogenic or benign to our knowledge